The following is an entry in ClinVar:

NM_001267550.2(TTN):c.76664C>T (p.Ala25555Val)

Genes: TTN (titin; minus strand), TTN-AS1 (TTN antisense RNA 1; plus strand). Cytogenetic location: 2q31.2.
Variant type: single nucleotide variant.
Coding change: c.76664C>T on transcript NM_001267550.2 (MANE Select); coding-DNA position 76664, C replaced by T.
Protein change: p.Ala25555Val; replaces alanine 25555 with valine.
Molecular consequence: missense variant.
Genome position (GRCh38, 1-based): chr2:178,569,468, G>A on the plus strand (C>T on the coding strand, the complement: TTN is on the minus strand). VCF-style: chr2-178569468-G-A. GRCh37 (hg19) VCF-style: chr2-179434195-G-A.
Other names: c.71741C>T, p.Ala23914Val (NM_001256850.1); c.49469C>T, p.Ala16490Val (NM_003319.4); c.68960C>T, p.Ala22987Val (NM_133378.4); c.49844C>T, p.Ala16615Val (NM_133432.3); c.50045C>T, p.Ala16682Val (NM_133437.4); short protein forms A16615V, A16682V, A16490V, A23914V, A25555V, A22987V.
Identifiers: ClinVar variation 1744297 (VCV001744297.4), dbSNP rs1035031578, ClinGen allele CA60993708.

ClinVar aggregate classification (germline): Uncertain significance. Review status: criteria provided, multiple submitters, no conflicts (2 of 4 stars). 3 submissions from 3 submitters: Uncertain significance (3). Last evaluated 2026-04-02.

Conditions:
TTN-related disorder. Also called: TTN-related disorders; TTN-related condition; TTN-related disease.
Cardiovascular phenotype. Identifiers: MedGen CN230736.

Allele frequency attached by ClinVar (database versions not stated): gnomAD 0.00001; gnomAD exomes 0.00001; TOPMed 0.00006.
gnomAD v4.1: 10 of 1,612,694 alleles (0.00062%); highest among the groups gnomAD compares: African/African-American, 0.012%; no homozygotes.

Submissions (3):

PreventionGenetics, part of Exact Sciences
Classification: Uncertain significance for TTN-related condition. Last evaluated: 2026-04-02. Review status: criteria provided, single submitter. Criteria: ACMG Guidelines, 2015. Collection method: clinical testing. Allele origin: germline.
Comment: The TTN c.76664C>T variant is predicted to result in the amino acid substitution p.Ala25555Val. To our knowledge, this variant has not been reported in the literature. This variant is reported in 0.011% of alleles in individuals of African descent in gnomAD. At this time, the clinical significance of this variant is uncertain due to the absence of conclusive functional and genetic evidence.

Women's Health and Genetics/Laboratory Corporation of America, LabCorp
Classification: Uncertain significance. Last evaluated: 2025-05-18. Review status: criteria provided, single submitter. Criteria: LabCorp Variant Classification Summary - May 2015. Collection method: clinical testing. Allele origin: germline.

Ambry Genetics
Classification: Uncertain significance for Cardiovascular phenotype. Last evaluated: 2019-08-27. Review status: criteria provided, single submitter. Criteria: Ambry Variant Classification Scheme 2023. Collection method: clinical testing. Allele origin: germline.
Comment: The p.A16490V variant (also known as c.49469C>T), located in coding exon 153 of the TTN gene, results from a C to T substitution at nucleotide position 49469. The alanine at codon 16490 is replaced by valine, an amino acid with similar properties. This amino acid position is highly conserved in available vertebrate species. In addition, this alteration is predicted to be tolerated by in silico analysis. Since supporting evidence is limited at this time, the clinical significance of this alteration remains unclear.